The following is an entry in ClinVar:

ClinVar aggregate classification (germline): Benign/Likely benign. Review status: criteria provided, multiple submitters, no conflicts (2 of 4 stars). 3 submissions from 3 submitters: Benign (1); Likely benign (2). Last evaluated 2025-02-14.

Conditions:
Hereditary cancer-predisposing syndrome. Also called: Tumor predisposition; Neoplastic Syndromes, Hereditary; Hereditary Cancer Syndrome; Hereditary neoplastic syndrome. Identifiers: Orphanet 140162, MedGen C0027672, MeSH D009386, MONDO:0015356.
Breast-ovarian cancer, familial, susceptibility to, 3. Also called: RAD51C-Related Breast/Ovarian Cancer. Identifiers: Orphanet 145, MedGen C3150659, MONDO:0013253, OMIM 613399.
Fanconi anemia complementation group O. Also called: RAD51C-Related Fanconi Anemia. Identifiers: Orphanet 84, MedGen C3150653, MONDO:0013248, OMIM 613390.

Submissions (3):

Myriad Genetics, Inc.
Classification: Benign for Breast-ovarian cancer, familial, susceptibility to, 3. Last evaluated: 2025-02-14. Review status: criteria provided, single submitter. Criteria: Myriad Autosomal Dominant, Autosomal Recessive and X-Linked Classification Criteria (2023). Collection method: clinical testing. Allele origin: unknown.
Comment: This variant is considered benign. This variant is a silent/synonymous amino acid change and it is not expected to impact splicing.

Ambry Genetics
Classification: Likely benign for Hereditary cancer-predisposing syndrome. Last evaluated: 2022-01-14. Review status: criteria provided, single submitter. Criteria: Ambry Variant Classification Scheme 2023. Collection method: clinical testing. Allele origin: germline.

Labcorp Genetics (formerly Invitae), Labcorp
Classification: Likely benign for Fanconi anemia complementation group O. Last evaluated: 2021-02-05. Review status: criteria provided, single submitter. Criteria: Invitae Variant Classification Sherloc (09022015). Collection method: clinical testing. Allele origin: germline.

NM_058216.3(RAD51C):c.264G>A (p.Leu88=)

Gene: RAD51C (RAD51 paralog C; plus strand). Cytogenetic location: 17q22.
Variant type: single nucleotide variant.
Coding change: c.264G>A on transcript NM_058216.3 (MANE Select); coding-DNA position 264, G replaced by A.
Protein change: p.Leu88=; no amino-acid change (leucine 88 retained).
Molecular consequence: synonymous variant. On other transcripts: non-coding transcript variant (2).
Genome position (GRCh38, 1-based): chr17:58,695,049, G>A. VCF-style: chr17-58695049-G-A. GRCh37 (hg19) VCF-style: chr17-56772410-G-A.
Other names: c.264G>A, p.Leu88= (NM_002876.4).
Identifiers: ClinVar variation 1088316 (VCV001088316.12), dbSNP rs2047949173, ClinGen allele CA501074624.
Genomic context (GRCh38, chr17:58,695,049, plus strand): 5'-TCTCACAAATAAACCAAGATATGCTGGTACATCTGAGTCACACAAGAAGTGTACAGCACT[G>A]GAACTTCTTGAGCAGGAGCATACCCAGGGCTTCATAATCACCTTCTGTTCAGCACTAGAT-3'
Protein context (NP_478123.1, residues 78-98): TSESHKKCTA[Leu88=]ELLEQEHTQG